The following is an entry in ClinVar:

NM_015102.5(NPHP4):c.4193G>A (p.Arg1398Lys)

Gene: NPHP4 (nephrocystin 4; minus strand). Cytogenetic location: 1p36.31.
Variant type: single nucleotide variant.
Coding change: c.4193G>A on transcript NM_015102.5 (MANE Select); coding-DNA position 4193, G replaced by A.
Protein change: p.Arg1398Lys; replaces arginine 1398 with lysine.
Molecular consequence: missense variant. On other transcripts: non-coding transcript variant (1).
Genome position (GRCh38, 1-based): chr1:5,863,353, C>T on the plus strand (G>A on the coding strand, the complement: NPHP4 is on the minus strand). VCF-style: chr1-5863353-C-T. GRCh37 (hg19) VCF-style: chr1-5923413-C-T.
Other names: c.2654G>A, p.Arg885Lys (NM_001291593.2); c.2657G>A, p.Arg886Lys (NM_001291594.2); short protein forms R1398K, R885K, R886K.
Identifiers: ClinVar variation 3608932 (VCV003608932.2).

ClinVar aggregate classification (germline): Uncertain significance (1 of 4 stars; one submission).

Conditions:
Nephronophthisis. Also called: Juvenile Nephronophthisis. Identifiers: Orphanet 655, MedGen C0687120, MONDO:0019005, HP:0000090.

gnomAD v4.1: 3 of 1,614,026 alleles (0.00019%); highest among the groups gnomAD compares: Non-Finnish European, 0.000085%; no homozygotes.

Submission:

Labcorp Genetics (formerly Invitae), Labcorp
Classification: Uncertain significance for Nephronophthisis. Last evaluated: 2024-08-01. Review status: criteria provided, single submitter. Criteria: Invitae Variant Classification Sherloc (09022015). Collection method: clinical testing. Allele origin: germline.
Comment: This sequence change replaces arginine, which is basic and polar, with lysine, which is basic and polar, at codon 1398 of the NPHP4 protein (p.Arg1398Lys). This variant is not present in population databases (gnomAD no frequency). This variant has not been reported in the literature in individuals affected with NPHP4-related conditions. Advanced modeling of protein sequence and biophysical properties (such as structural, functional, and spatial information, amino acid conservation, physicochemical variation, residue mobility, and thermodynamic stability) performed at Invitae indicates that this missense variant is not expected to disrupt NPHP4 protein function with a negative predictive value of 80%. In summary, the available evidence is currently insufficient to determine the role of this variant in disease. Therefore, it has been classified as a Variant of Uncertain Significance.